The following is an entry in ClinVar:

NM_002691.4(POLD1):c.2155-5G>A

Gene: POLD1 (DNA polymerase delta 1, catalytic subunit; plus strand). Cytogenetic location: 19q13.33.
Variant type: single nucleotide variant.
Coding change: c.2155-5G>A on transcript NM_002691.4 (MANE Select); 5 bases into the intron before coding-DNA position 2155, G replaced by A.
Molecular consequence: intron variant.
Genome position (GRCh38, 1-based): chr19:50,413,421, G>A. VCF-style: chr19-50413421-G-A. GRCh37 (hg19) VCF-style: chr19-50916678-G-A.
Other names: c.2155-5G>A (LRG_785t1, NM_001256849.1); c.2233-5G>A (LRG_785t2, NM_001308632.1).
Identifiers: ClinVar variation 414752 (VCV000414752.18), dbSNP rs891420901, ClinGen allele CA16616155.

ClinVar aggregate classification (germline): Conflicting classifications of pathogenicity. Review status: criteria provided, conflicting classifications (1 of 4 stars). 4 submissions from 4 submitters: Uncertain significance (1); Likely benign (3). Last evaluated 2025-11-20.

Conditions:
Hereditary cancer-predisposing syndrome. Also called: Neoplastic Syndromes, Hereditary; Hereditary neoplastic syndrome; Hereditary Cancer Syndrome; Tumor predisposition. Identifiers: Orphanet 140162, MedGen C0027672, MeSH D009386, MONDO:0015356.
POLD1-related polyposis and colorectal cancer syndrome (CRCS10). Also called: Colorectal cancer, susceptibility to, 10; Colorectal cancer 10; COLORECTAL CANCER, SUSCEPTIBILITY TO, ON CHROMOSOME 19q. Identifiers: Orphanet 220460, MedGen C2675481, MONDO:0012953, OMIM 612591.

Allele frequency attached by ClinVar (database versions not stated): TOPMed below 0.00001.

Submissions (4):

Labcorp Genetics (formerly Invitae), Labcorp
Classification: Likely benign for POLD1-related polyposis and colorectal cancer syndrome. Last evaluated: 2025-11-20. Review status: criteria provided, single submitter. Criteria: Invitae Variant Classification Sherloc (09022015). Collection method: clinical testing. Allele origin: germline.

Ambry Genetics
Classification: Uncertain significance for Hereditary cancer-predisposing syndrome. Last evaluated: 2025-01-13. Review status: criteria provided, single submitter. Criteria: Ambry Variant Classification Scheme 2023. Collection method: clinical testing. Allele origin: germline.
Comment: The c.2155-5G>A intronic variant results from a G to A substitution 5 nucleotides upstream from coding exon 17 in the POLD1 gene. This nucleotide position is poorly conserved in available vertebrate species. In silico splice site analysis predicts that this alteration will not have any significant effect on splicing. Based on the available evidence, the clinical significance of this variant remains unclear.

Mendelics
Classification: Likely benign for POLD1-related polyposis and colorectal cancer syndrome. Last evaluated: 2019-05-28. Review status: criteria provided, single submitter. Criteria: Mendelics Assertion Criteria 2017. Collection method: clinical testing. Allele origin: unknown.

GeneDx
Classification: Likely benign. Last evaluated: 2018-04-10. Review status: criteria provided, single submitter. Criteria: GeneDx Variant Classification (06012015). Collection method: clinical testing. Allele origin: germline. Affected: yes.
Comment: This variant is considered likely benign or benign based on one or more of the following criteria: it is a conservative change, it occurs at a poorly conserved position in the protein, it is predicted to be benign by multiple in silico algorithms, and/or has population frequency not consistent with disease.